The following is an entry in ClinVar:

NM_133642.5(LARGE1):c.-83+187C>T

Gene: LARGE1 (LARGE xylosyl- and glucuronyltransferase 1; minus strand). Cytogenetic location: 22q12.3.
Variant type: single nucleotide variant.
Coding change: c.-83+187C>T on transcript NM_133642.5 (MANE Select); 187 bases into the intron after 83 bases upstream of the start codon, C replaced by T.
Molecular consequence: intron variant.
Genome position (GRCh38, 1-based): chr22:33,919,808, G>A on the plus strand (C>T on the coding strand, the complement: LARGE1 is on the minus strand). VCF-style: chr22-33919808-G-A. GRCh37 (hg19) VCF-style: chr22-34315796-G-A.
Other names: c.-83+2813C>T (NM_001362953.2); c.-146+2813C>T (NM_001362949.2); c.-83+2669C>T (NM_001378627.1, NM_001362951.2); c.-146+2669C>T (NM_001378624.1); c.-83+187C>T (NM_001378629.1, NM_001378628.1); c.-146+187C>T (NM_004737.7).
Identifiers: ClinVar variation 1691134 (VCV001691134.2), dbSNP rs77908284, ClinGen allele CA323789795.

ClinVar aggregate classification (germline): Likely benign (1 of 4 stars; one submission).

Allele frequency attached by ClinVar (database versions not stated): gnomAD 0.00565 and 0.00605; 1000 Genomes Project 0.00679; TOPMed 0.00688; 1000 Genomes Project 30x 0.00718.
gnomAD v4.1: 856 of 152,296 alleles (0.56%); highest among the groups gnomAD compares: African/African-American, 1.9%; 7 homozygotes.

Submission:

GeneDx
Classification: Likely benign. Last evaluated: 2021-12-01. Review status: criteria provided, single submitter. Criteria: GeneDx Variant Classification Process June 2021. Collection method: clinical testing. Allele origin: germline. Affected: yes.
Comment: See Variant Classification Assertion Criteria.